The following is an entry in ClinVar:

ClinVar aggregate classification (germline): Uncertain significance. Review status: criteria provided, multiple submitters, no conflicts (2 of 4 stars). 2 submissions from 2 submitters: Uncertain significance (2). Last evaluated 2026-03-23.

Conditions:
Autosomal dominant optic atrophy classic form (OPA1). Also called: KJER-TYPE OPTIC ATROPHY; OPTIC ATROPHY, JUVENILE; Optic Atrophy Type 1. Identifiers: Orphanet 98673, MedGen C0338508, MONDO:0008134, OMIM 165500.

Submissions (2):

Victorian Clinical Genetics Services, Murdoch Childrens Research Institute
Classification: Uncertain significance for Autosomal dominant optic atrophy classic form. Last evaluated: 2026-03-23. Review status: criteria provided, single submitter. Criteria: ACMG Guidelines, 2015. Collection method: clinical testing. Allele origin: germline. Affected: yes.
Comment: This variant is classified as VUS-3B. Evidence in support of pathogenic classification: Variant is absent from gnomAD (v2, v3 and v4). Additional information: Variant is predicted to result in a missense amino acid change from Gln to His; This variant is heterozygous; This gene is associated with both recessive and dominant disease. Truncating variants and mutations in the C-terminal domain are associated with dominant optic atrophy. Individuals carrying missense variants are clustered within the GTPase domain, generally develop optic atrophy plus syndrome. Lastly, biallelic variants have been associated with early onset Behr syndrome (PMID: 31500643, 28494813, 25012220, 30165240); Alternative amino acid change(s) at the same position are present in gnomAD (Highest allele count: v4: 3 heterozygote(s), 0 homozygote(s)); Previous evidence of pathogenicity for this variant is inconclusive. This variant has been classified as a variant of uncertain significance by a clinical laboratory in ClinVar; No published evidence of segregation with disease has been identified for this variant; No published functional evidence has been identified for this variant; No comparable missense variants have previous evidence for pathogenicity; Variant is not located in an established domain, motif, hotspot or informative constraint region; Missense variant with inconclusive in silico prediction and uninformative conservation; Loss of function is a known mechanism of disease in this gene and is associated with OPA1-related conditions (OMIM); The condition associated with this gene has incomplete penetrance (PMID: 17306754); Inheritance information for this variant is not currently available in this individual.

Labcorp Genetics (formerly Invitae), Labcorp
Classification: Uncertain significance. Last evaluated: 2024-12-19. Review status: criteria provided, single submitter. Criteria: Invitae Variant Classification Sherloc (09022015). Collection method: clinical testing. Allele origin: germline.
Comment: This sequence change replaces glutamine, which is neutral and polar, with histidine, which is basic and polar, at codon 121 of the OPA1 protein (p.Gln121His). This variant is not present in population databases (gnomAD no frequency). This variant has not been reported in the literature in individuals affected with OPA1-related conditions. ClinVar contains an entry for this variant (Variation ID: 1959171). Invitae Evidence Modeling of protein sequence and biophysical properties (such as structural, functional, and spatial information, amino acid conservation, physicochemical variation, residue mobility, and thermodynamic stability) indicates that this missense variant is not expected to disrupt OPA1 protein function with a negative predictive value of 80%. In summary, the available evidence is currently insufficient to determine the role of this variant in disease. Therefore, it has been classified as a Variant of Uncertain Significance.

Literature cited by the submitters: PubMed 25012220 (cited by Victorian Clinical Genetics Services, Murdoch Childrens Research Institute); PubMed 28494813 (cited by Victorian Clinical Genetics Services, Murdoch Childrens Research Institute); PubMed 17306754 (cited by Victorian Clinical Genetics Services, Murdoch Childrens Research Institute); PubMed 30165240 (cited by Victorian Clinical Genetics Services, Murdoch Childrens Research Institute); PubMed 31500643 (cited by Victorian Clinical Genetics Services, Murdoch Childrens Research Institute).

NM_130837.3(OPA1):c.363G>T (p.Gln121His)

Gene: OPA1 (OPA1 mitochondrial dynamin like GTPase; plus strand). Cytogenetic location: 3q29.
Variant type: single nucleotide variant.
Coding change: c.363G>T on transcript NM_130837.3 (MANE Select); coding-DNA position 363, G replaced by T.
Protein change: p.Gln121His; replaces glutamine 121 with histidine.
Molecular consequence: missense variant. On other transcripts: 5 prime UTR variant (2).
Genome position (GRCh38, 1-based): chr3:193,615,685, G>T. VCF-style: chr3-193615685-G-T. GRCh37 (hg19) VCF-style: chr3-193333474-G-T.
Other names: c.-10G>T (NM_001354663.2, NM_001354664.2); c.363G>T, p.Gln121His (NM_015560.3, NM_130831.3, NM_130832.3 and 4 more transcripts); short protein forms Q121H.
Identifiers: ClinVar variation 1959171 (VCV001959171.6), dbSNP rs1728906388, ClinGen allele CA355787059.